The following is an entry in ClinVar:

ClinVar aggregate classification (germline): no classifications from unflagged records (0 of 4 stars; one submission).

Conditions:
Tip-toe gait. Also called: Toe walking. Identifiers: MedGen C0427144, HP:0030051.

Allele frequency attached by ClinVar (database versions not stated): gnomAD exomes below 0.00001; TOPMed below 0.00001; gnomAD 0.00001.
gnomAD v4.1: 2 of 1,613,272 alleles (0.00012%); highest among the groups gnomAD compares: African/African-American, 0.0027%; no homozygotes.

Submission:

Practice for Gait Abnormalities, David Pomarino, Competency Network Toe Walking C/o Practice Pomarino
Classification: Likely pathogenic for Tip-toe gait. Last evaluated: 2022-10-10. Review status: flagged submission. Collection method: clinical testing. Allele origin: germline. Affected: yes.
Comment: Myopathy refers to diseases that affect skeletal Muscles. These diseases attack muscle fibers, making muscles weak. Inherited myopathies are often caused by inheriting an abnormal gene mutation from a parent that causes the disease. Symptoms of congenital myopathies usually start at birth or in early childhood, but may not appear until the teen years or even later in adulthood. Congenital myopathies are somewhat unique compared with other inherited myopathies, as weakness typically affects all muscles and is often not progressive. Symptoms are: Muscle weakness, most commonly of upper arms and shoulders and thighs, muscle cramps, stiffness and spasms, fatigue with exertion and lack of energy. Our patients all walk on tiptoe, so they show similar symptoms. When we genetically test them with our toe walking panel, we find that around 90 per cent of them have a genetic variant that explains their toe walking. These can be assigned, for example, to the area of myopathies (such as variants of the COL6A3 gene), the area of hereditary neuropathies (such as variants of the KMT2C gene) or the area of metabolic diseases (such as variants of the PYGM gene). In a smaller group of patients with almost identical symptoms, no abnormality is found in the genes of our panel, but spastic paraplegia can be detected. In another small group of our toe walkers, no abnormalities can be detected in the genes analysed in our toe walking panel, nor do they suffer from spastic paraplegia, as is also the case with healthy children. In contrast to these, however, they show a tiptoe gait. These patients suffer from infantile cerebral palsy, in which toe walking can also be observed.
ClinVar note: Notes: This gene has insufficient supporting evidence for isolated Tip-Toe Gait.
ClinVar note: Reason: Claim with insufficient supporting evidence

Literature cited by the submitters: PubMed 37091313.

NM_001267550.2(TTN):c.39043+2T>G

Gene: TTN (titin; minus strand). Cytogenetic location: 2q31.2.
Variant type: single nucleotide variant.
Coding change: c.39043+2T>G on transcript NM_001267550.2 (MANE Select); the canonical splice donor site of the intron after coding-DNA position 39043, T replaced by G.
Molecular consequence: splice donor variant. On other transcripts: intron variant (5).
Genome position (GRCh38, 1-based): chr2:178,652,651, A>C on the plus strand (T>G on the coding strand, the complement: TTN is on the minus strand). VCF-style: chr2-178652651-A-C. GRCh37 (hg19) VCF-style: chr2-179517378-A-C.
Other names: c.13283-10334T>G (NM_003319.4); c.13859-10334T>G (NM_133437.4); c.13658-10334T>G (NM_133432.3); c.31742-110T>G (NM_133378.4); c.34523-110T>G (NM_001256850.1).
Identifiers: ClinVar variation 2574631 (VCV002574631.2), dbSNP rs1456800152, ClinGen allele CA349464818.